The following is an entry in ClinVar:

NM_017617.5(NOTCH1):c.4714G>A (p.Gly1572Ser)

Gene: NOTCH1 (notch receptor 1; minus strand). Cytogenetic location: 9q34.3.
Variant type: single nucleotide variant.
Coding change: c.4714G>A on transcript NM_017617.5 (MANE Select); coding-DNA position 4714, G replaced by A.
Protein change: p.Gly1572Ser; replaces glycine 1572 with serine.
Molecular consequence: missense variant.
Genome position (GRCh38, 1-based): chr9:136,504,977, C>T on the plus strand (G>A on the coding strand, the complement: NOTCH1 is on the minus strand). VCF-style: chr9-136504977-C-T. GRCh37 (hg19) VCF-style: chr9-139399429-C-T.
Other names: short protein forms G1572S.
Identifiers: ClinVar variation 4691273 (VCV004691273.1).

ClinVar aggregate classification (germline): Uncertain significance (1 of 4 stars; one submission).

Conditions:
Adams-Oliver syndrome 5 (AOS5). Identifiers: Orphanet 974, MedGen C4014970, MONDO:0014459, OMIM 616028.

gnomAD v4.1: 1 of 1,588,470 alleles (0.000063%); highest among the groups gnomAD compares: Non-Finnish European, 0.000085%; no homozygotes.

Submission:

Labcorp Genetics (formerly Invitae), Labcorp
Classification: Uncertain significance for Adams-Oliver syndrome 5. Last evaluated: 2025-04-17. Review status: criteria provided, single submitter. Criteria: Invitae Variant Classification Sherloc (09022015). Collection method: clinical testing. Allele origin: germline.
Comment: This sequence change replaces glycine, which is neutral and non-polar, with serine, which is neutral and polar, at codon 1572 of the NOTCH1 protein (p.Gly1572Ser). This variant is not present in population databases (gnomAD no frequency). This variant has not been reported in the literature in individuals affected with NOTCH1-related conditions. Invitae Evidence Modeling of protein sequence and biophysical properties (such as structural, functional, and spatial information, amino acid conservation, physicochemical variation, residue mobility, and thermodynamic stability) indicates that this missense variant is not expected to disrupt NOTCH1 protein function with a negative predictive value of 80%. In summary, the available evidence is currently insufficient to determine the role of this variant in disease. Therefore, it has been classified as a Variant of Uncertain Significance.